The following is an entry in ClinVar:

NM_000843.4(GRM6):c.503C>T (p.Ala168Val)

Gene: GRM6 (glutamate metabotropic receptor 6; minus strand). Cytogenetic location: 5q35.3.
Variant type: single nucleotide variant.
Coding change: c.503C>T on transcript NM_000843.4 (MANE Select); coding-DNA position 503, C replaced by T.
Protein change: p.Ala168Val; replaces alanine 168 with valine.
Molecular consequence: missense variant.
Genome position (GRCh38, 1-based): chr5:178,994,442, G>A on the plus strand (C>T on the coding strand, the complement: GRM6 is on the minus strand). VCF-style: chr5-178994442-G-A. GRCh37 (hg19) VCF-style: chr5-178421443-G-A.
Other names: short protein forms A168V.
Identifiers: ClinVar variation 1005925 (VCV001005925.8), dbSNP rs1760735591, ClinGen allele CA362435502.

ClinVar aggregate classification (germline): Uncertain significance (1 of 4 stars; one submission).

Allele frequency attached by ClinVar (database versions not stated): gnomAD exomes below 0.00001.

Submission:

Labcorp Genetics (formerly Invitae), Labcorp
Classification: Uncertain significance. Last evaluated: 2022-08-23. Review status: criteria provided, single submitter. Criteria: Invitae Variant Classification Sherloc (09022015). Collection method: clinical testing. Allele origin: germline.
Comment: In summary, the available evidence is currently insufficient to determine the role of this variant in disease. Therefore, it has been classified as a Variant of Uncertain Significance. Algorithms developed to predict the effect of sequence changes on RNA splicing suggest that this variant may disrupt the consensus splice site. Algorithms developed to predict the effect of missense changes on protein structure and function are either unavailable or do not agree on the potential impact of this missense change (SIFT: "Tolerated"; PolyPhen-2: "Possibly Damaging"; Align-GVGD: "Class C0"). ClinVar contains an entry for this variant (Variation ID: 1005925). This variant has not been reported in the literature in individuals affected with GRM6-related conditions. This variant is not present in population databases (gnomAD no frequency). This sequence change replaces alanine, which is neutral and non-polar, with valine, which is neutral and non-polar, at codon 168 of the GRM6 protein (p.Ala168Val).